The following is an entry in ClinVar:

ClinVar aggregate classification (germline): Likely benign (1 of 4 stars; one submission).

Submission:

CeGaT Center for Human Genetics Tuebingen
Classification: Likely benign. Last evaluated: 2026-06-01. Review status: criteria provided, single submitter. Criteria: CeGaT Center For Human Genetics Tuebingen Variant Classification Criteria Version 2. Collection method: clinical testing. Allele origin: germline. Affected: yes. Observed: 4 variant alleles.
Comment: GOLGA6D: BP4, BP7

NM_001145224.3(GOLGA6D):c.393A>G (p.Thr131=)

Gene: GOLGA6D (golgin A6 family member D; plus strand). Cytogenetic location: 15q24.2.
Variant type: single nucleotide variant.
Coding change: c.393A>G on transcript NM_001145224.3 (MANE Select); coding-DNA position 393, A replaced by G.
Protein change: p.Thr131=; no amino-acid change (threonine 131 retained).
Molecular consequence: synonymous variant.
Genome position (GRCh38, 1-based): chr15:75,288,097, A>G. VCF-style: chr15-75288097-A-G. GRCh37 (hg19) VCF-style: chr15-75580438-A-G.
Identifiers: ClinVar variation 4084116 (VCV004084116.8).
Genomic context (GRCh38, chr15:75,288,097, plus strand): 5'-TTTCAGCATTTCCTTGGCTTTTCTCCCAAACGTTCAATTCCAGACAATCAACATCCTCAC[A>G]TTGGAAAAGGCAGACTTGAAGACCACCCTTTACCATACTAAACGTGCTGCCCGACACTTC-3'
Protein context (NP_001138696.1, residues 121-141): MEQLETINIL[Thr131=]LEKADLKTTL